The following is an entry in ClinVar:

ClinVar aggregate classification (germline): Likely benign (1 of 4 stars; one submission).

Conditions:
KMT2D-related disorder. Also called: KMT2D-Related Disorders.

gnomAD v4.1: 2 of 1,515,290 alleles (0.00013%); highest among the groups gnomAD compares: African/African-American, 0.0014%; no homozygotes.

Submission:

PreventionGenetics, part of Exact Sciences
Classification: Likely benign for KMT2D-related condition. Last evaluated: 2026-09-25. Review status: criteria provided, single submitter. Criteria: ACMG Guidelines, 2015. Collection method: clinical testing. Allele origin: germline.
Comment: This variant is classified as likely benign based on ACMG/AMP sequence variant interpretation guidelines (Richards et al. 2015 PMID: 25741868, with internal and published modifications).

NM_003482.4(KMT2D):c.2574A>T (p.Pro858=)

Gene: KMT2D (lysine methyltransferase 2D; minus strand). Cytogenetic location: 12q13.12.
Variant type: single nucleotide variant.
Coding change: c.2574A>T on transcript NM_003482.4 (MANE Select); coding-DNA position 2574, A replaced by T.
Protein change: p.Pro858=; no amino-acid change (proline 858 retained).
Molecular consequence: synonymous variant.
Genome position (GRCh38, 1-based): chr12:49,051,109, T>A on the plus strand (A>T on the coding strand, the complement: KMT2D is on the minus strand). VCF-style: chr12-49051109-T-A. GRCh37 (hg19) VCF-style: chr12-49444892-T-A.
Identifiers: ClinVar variation 4995262 (VCV004995262.1).